The following is an entry in ClinVar:

ClinVar aggregate classification (germline): Likely benign (1 of 4 stars; one submission).

gnomAD v4.1: 694 of 1,611,516 alleles (0.043%); highest among the groups gnomAD compares: Non-Finnish European, 0.053%; no homozygotes.

Submission:

CeGaT Center for Human Genetics Tuebingen
Classification: Likely benign. Last evaluated: 2025-12-01. Review status: criteria provided, single submitter. Criteria: CeGaT Center For Human Genetics Tuebingen Variant Classification Criteria Version 2. Collection method: clinical testing. Allele origin: germline. Affected: yes. Observed: 1 variant allele.
Comment: AHNAK2: BP4, BP7

NM_138420.4(AHNAK2):c.9006T>C (p.Asp3002=)

Gene: AHNAK2 (AHNAK nucleoprotein 2; minus strand). Cytogenetic location: 14q32.33.
Variant type: single nucleotide variant.
Coding change: c.9006T>C on transcript NM_138420.4 (MANE Select); coding-DNA position 9006, T replaced by C.
Protein change: p.Asp3002=; no amino-acid change (aspartic acid 3002 retained).
Molecular consequence: synonymous variant.
Genome position (GRCh38, 1-based): chr14:104,946,445, A>G on the plus strand (T>C on the coding strand, the complement: AHNAK2 is on the minus strand). VCF-style: chr14-104946445-A-G. GRCh37 (hg19) VCF-style: chr14-105412782-A-G.
Other names: c.8706T>C, p.Asp2902= (NM_001350929.2).
Identifiers: ClinVar variation 4681413 (VCV004681413.5).